The following is an entry in ClinVar:

ClinVar aggregate classification (germline): Pathogenic/Likely pathogenic. Review status: criteria provided, multiple submitters, no conflicts (2 of 4 stars). 4 submissions from 4 submitters: Pathogenic (2); Likely pathogenic (2). Last evaluated 2024-03-18.

Conditions:
Familial hypokalemia-hypomagnesemia (GTLMNS). Also called: HYPOMAGNESEMIA-HYPOKALEMIA, PRIMARY RENOTUBULAR, WITH HYPOCALCIURIA; POTASSIUM AND MAGNESIUM DEPLETION; gitelman syndrome. Identifiers: Orphanet 358, MedGen C0268450, MONDO:0009904, OMIM 263800.

Allele frequency attached by ClinVar (database versions not stated): gnomAD exomes below 0.00001.
gnomAD v4.1: 6 of 1,613,186 alleles (0.00037%); highest among the groups gnomAD compares: Non-Finnish European, 0.00051%; no homozygotes.

Submissions (4):

Natera, Inc.
Classification: Pathogenic for Gitelman syndrome. Last evaluated: 2024-03-18. Review status: criteria provided, single submitter. Criteria: Natera Variant Classification Schema (03/2026). Collection method: clinical testing. Allele origin: germline.
Comment: The c.2213T>G variant in SLC12A3 is a missense variant predicted to cause substitution of leucine to arginine at amino acid 738. This variant is rare in the general population with a frequency below the threshold expected for the associated phenotype(s). This variant has been observed in one or more individuals affected with the associated recessive disease, as either homozygous or compound heterozygous with a second variant (PMID: 9734597, 21415153, 29398133, 35628451). Functional studies show that this variant may disrupt protein function (PMID: 10516289). Computational prediction algorithms indicate this variant is likely to affect gene or protein function. Given the available evidence, this variant is classified as Pathogenic.

Labcorp Genetics (formerly Invitae), Labcorp
Classification: Pathogenic. Last evaluated: 2024-03-07. Review status: criteria provided, single submitter. Criteria: Invitae Variant Classification Sherloc (09022015). Collection method: clinical testing. Allele origin: germline.
Comment: This sequence change replaces leucine, which is neutral and non-polar, with arginine, which is basic and polar, at codon 738 of the SLC12A3 protein (p.Leu738Arg). This variant is not present in population databases (gnomAD no frequency). This missense change has been observed in individual(s) with Gitelman syndrome (PMID: 9734597, 17159356). In at least one individual the data is consistent with being in trans (on the opposite chromosome) from a pathogenic variant. ClinVar contains an entry for this variant (Variation ID: 1376627). Advanced modeling of protein sequence and biophysical properties (such as structural, functional, and spatial information, amino acid conservation, physicochemical variation, residue mobility, and thermodynamic stability) performed at Invitae indicates that this missense variant is expected to disrupt SLC12A3 protein function with a positive predictive value of 95%. For these reasons, this variant has been classified as Pathogenic.

European Hospital Georges Pompidou Genetics Department, Assistance Publique - Hôpitaux de Paris AP-HP
Classification: Likely pathogenic for Familial hypokalemia-hypomagnesemia. Last evaluated: 2022-04-27. Review status: criteria provided, single submitter. Criteria: ACMG Guidelines, 2015. Collection method: clinical testing. Allele origin: germline. Affected: yes.
Comment: ACMG criteria used:PS4, PM1, PM2, PM3, PP5

Fulgent Genetics
Classification: Likely pathogenic for Familial hypokalemia-hypomagnesemia. Last evaluated: 2021-11-09. Review status: criteria provided, single submitter. Criteria: ACMG Guidelines, 2015. Collection method: clinical testing. Allele origin: unknown.

Literature cited by the submitters: PubMed 9734597 (cited by Natera, Inc. and Labcorp Genetics (formerly Invitae), Labcorp); PubMed 21415153 (cited by Natera, Inc.); PubMed 29398133 (cited by Natera, Inc.); PubMed 35628451 (cited by Natera, Inc.); PubMed 10516289 (cited by Natera, Inc.); PubMed 17159356 (cited by Labcorp Genetics (formerly Invitae), Labcorp).

NM_001126108.2(SLC12A3):c.2213T>G (p.Leu738Arg)

Gene: SLC12A3 (solute carrier family 12 member 3; plus strand). Cytogenetic location: 16q13.
Variant type: single nucleotide variant.
Coding change: c.2213T>G on transcript NM_001126108.2 (MANE Select); coding-DNA position 2213, T replaced by G.
Protein change: p.Leu738Arg; replaces leucine 738 with arginine.
Molecular consequence: missense variant.
Genome position (GRCh38, 1-based): chr16:56,887,959, T>G. VCF-style: chr16-56887959-T-G. GRCh37 (hg19) VCF-style: chr16-56921871-T-G.
Other names: c.2213T>G, p.Leu738Arg (NM_000339.3); c.2210T>G, p.Leu737Arg (NM_001126107.2); short protein forms L738R, L737R.
Identifiers: ClinVar variation 1376627 (VCV001376627.11), dbSNP rs2144733006, ClinGen allele CA395994675.